The following is an entry in ClinVar:

NM_005629.4(SLC6A8):c.102_103del (p.Asp35fs)

Gene: SLC6A8 (solute carrier family 6 member 8; plus strand). Cytogenetic location: Xq28.
Variant type: Deletion.
Coding change: c.102_103del on transcript NM_005629.4 (MANE Select); coding-DNA positions 102 to 103, 2 bases deleted (CG; older notation c.102_103delCG).
Protein change: p.Asp35fs; shifts the reading frame from aspartic acid 35.
Molecular consequence: frameshift variant.
Genome position (GRCh38, 1-based): chrX:153,688,676-153,688,677, CG deleted; deleting any 2 consecutive bases within chrX:153,688,675-153,688,677 gives the same sequence; the c. name uses the placement nearest the transcript's 3' end. VCF-style (leftmost placement, unchanged base first): chrX-153688674-GGC-G. GRCh37 (hg19) VCF-style: chrX-152954129-GGC-G.
Other names: c.102_103del, p.Asp35fs (NM_001142805.2); short protein forms D35fs.
Identifiers: ClinVar variation 5016298 (VCV005016298.1).

ClinVar aggregate classification (germline): Pathogenic (1 of 4 stars; one submission).

Conditions:
Creatine transporter deficiency (CCDS1). Also called: Mental retardation , X-linked with seizures, short stature and midface hypoplasia; Mental retardation , X-linked, with creatine transport deficiency; X-linked creatine transporter deficiency; X-linked creatine deficiency syndrome; SLC6A8-Related Creatine Transporter Deficiency; CREATINE TRANSPORTER DEFECT. Identifiers: Orphanet 52503, MedGen C1845862, MONDO:0010305, OMIM 300352.

Submission:

Myriad Genetics, Inc.
Classification: Pathogenic for Creatine transporter deficiency. Last evaluated: 2026-08-29. Review status: criteria provided, single submitter. Criteria: Myriad Autosomal Dominant, Autosomal Recessive and X-Linked Classification Criteria (2023). Collection method: clinical testing. Allele origin: unknown.
Comment: NM_005629.3(SLC6A8):c.102_103delCG(D35Rfs*153) is expected to be pathogenic in the context of creatine transporter deficiency. This variant is predicted to lead to an abnormal or absent protein product due to the creation of a premature termination codon in SLC6A8, a gene where loss-of-function variants are known to be pathogenic. Please note: this variant was assessed in the context of healthy population screening.